The following is an entry in ClinVar:

ClinVar aggregate classification (germline): Uncertain significance (1 of 4 stars; one submission).

Conditions:
Townes syndrome (TBS). Also called: Townes-Brocks syndrome. Identifiers: Orphanet 857, MedGen C0265246, MeSH C536974, MONDO:0007142.

Submission:

Labcorp Genetics (formerly Invitae), Labcorp
Classification: Uncertain significance for Townes syndrome. Last evaluated: 2024-01-29. Review status: criteria provided, single submitter. Criteria: Invitae Variant Classification Sherloc (09022015). Collection method: clinical testing. Allele origin: germline.
Comment: This sequence change replaces serine, which is neutral and polar, with asparagine, which is neutral and polar, at codon 934 of the SALL1 protein (p.Ser934Asn). This variant is not present in population databases (gnomAD no frequency). This variant has not been reported in the literature in individuals affected with SALL1-related conditions. Advanced modeling of protein sequence and biophysical properties (such as structural, functional, and spatial information, amino acid conservation, physicochemical variation, residue mobility, and thermodynamic stability) performed at Invitae indicates that this missense variant is not expected to disrupt SALL1 protein function with a negative predictive value of 80%. In summary, the available evidence is currently insufficient to determine the role of this variant in disease. Therefore, it has been classified as a Variant of Uncertain Significance.

NM_002968.3(SALL1):c.2801G>A (p.Ser934Asn)

Gene: SALL1 (spalt like transcription factor 1; minus strand). Cytogenetic location: 16q12.1.
Variant type: single nucleotide variant.
Coding change: c.2801G>A on transcript NM_002968.3 (MANE Select); coding-DNA position 2801, G replaced by A.
Protein change: p.Ser934Asn; replaces serine 934 with asparagine.
Molecular consequence: missense variant.
Genome position (GRCh38, 1-based): chr16:51,139,421, C>T on the plus strand (G>A on the coding strand, the complement: SALL1 is on the minus strand). VCF-style: chr16-51139421-C-T. GRCh37 (hg19) VCF-style: chr16-51173332-C-T.
Other names: c.2510G>A, p.Ser837Asn (NM_001127892.2); short protein forms S837N, S934N.
Identifiers: ClinVar variation 3718957 (VCV003718957.2).
Genomic context (GRCh38, chr16:51,139,421, plus strand): 5'-CTTGGGACCGCTCTCTGTGGTTTCTCCTCAATGCTGGGTGACTTGTGGAACTCCTGCGTG[C>T]TGTTGGACGGGGACAGAGCCTGCATGGAAGAGGTAGACTCTGAGATGGCTGGGCTGCCAG-3'
Protein context (NP_002959.2, residues 924-944): SSMQALSPSN[Ser934Asn]TQEFHKSPSI